The following is an entry in ClinVar:

ClinVar aggregate classification (germline): Likely pathogenic (1 of 4 stars; one submission).

Conditions:
Familial dysautonomia. Also called: HSAN III; FD. Identifiers: Orphanet 1764, MedGen C0013364, MONDO:0009131, OMIM 223900. Disease mechanism: loss of function.

Submission:

Natera, Inc.
Classification: Likely pathogenic for Familial dysautonomia. Last evaluated: 2024-12-30. Review status: criteria provided, single submitter. Criteria: Natera Variant Classification Schema (03/2026). Collection method: clinical testing. Allele origin: germline.
Comment: The c.2737-1G>A variant in ELP1 is a canonical splice acceptor site variant predicted to affect pre-mRNA splicing, which may result in an abnormal transcript and altered protein product. This variant is expected to result in nonsense mediated decay, truncation, or a dysfunctional protein product. This variant is rare in the general population with a frequency below the threshold expected for the associated phenotype(s). Given the available evidence, this variant is classified as Likely Pathogenic.

NM_003640.5(ELP1):c.2737-1G>A

Gene: ELP1 (elongator acetyltransferase complex subunit 1; minus strand). Cytogenetic location: 9q31.3.
Variant type: single nucleotide variant.
Coding change: c.2737-1G>A on transcript NM_003640.5 (MANE Select); the canonical splice acceptor site of the intron before coding-DNA position 2737, G replaced by A.
Molecular consequence: splice acceptor variant.
Genome position (GRCh38, 1-based): chr9:108,894,067, C>T on the plus strand (G>A on the coding strand, the complement: ELP1 is on the minus strand). VCF-style: chr9-108894067-C-T. GRCh37 (hg19) VCF-style: chr9-111656347-C-T.
Other names: c.2395-1G>A (NM_001318360.2); c.1690-1G>A (NM_001330749.2).
Identifiers: ClinVar variation 4815205 (VCV004815205.1).